The following is an entry in ClinVar:

NM_000593.6(TAP1):c.664G>T (p.Asp222Tyr)

Gene: TAP1 (transporter 1, ATP binding cassette subfamily B member; minus strand). Cytogenetic location: 6p21.32.
Variant type: single nucleotide variant.
Coding change: c.664G>T on transcript NM_000593.6 (MANE Select); coding-DNA position 664, G replaced by T.
Protein change: p.Asp222Tyr; replaces aspartic acid 222 with tyrosine.
Molecular consequence: missense variant.
Genome position (GRCh38, 1-based): chr6:32,852,437, C>A on the plus strand (G>T on the coding strand, the complement: TAP1 is on the minus strand). VCF-style: chr6-32852437-C-A. GRCh37 (hg19) VCF-style: chr6-32820214-C-A.
Other names: c.61G>T, p.Asp21Tyr (NM_001292022.2); short protein forms D21Y, D222Y.
Identifiers: ClinVar variation 2184080 (VCV002184080.3), dbSNP rs1407467013, ClinGen allele CA363581389.

ClinVar aggregate classification (germline): Uncertain significance (1 of 4 stars; one submission).

Conditions:
MHC class I deficiency. Identifiers: Orphanet 34592, MedGen C6024714, MONDO:0011476.

Allele frequency attached by ClinVar (database versions not stated): gnomAD exomes below 0.00001.
gnomAD v4.1: 5 of 1,612,992 alleles (0.00031%); highest among the groups gnomAD compares: Middle Eastern, 0.033%; no homozygotes.

Submission:

Labcorp Genetics (formerly Invitae), Labcorp
Classification: Uncertain significance for MHC class I deficiency 1. Last evaluated: 2025-11-11. Review status: criteria provided, single submitter. Criteria: Invitae Variant Classification Sherloc (09022015). Collection method: clinical testing. Allele origin: germline.
Comment: This sequence change replaces aspartic acid, which is acidic and polar, with tyrosine, which is neutral and polar, at codon 282 of the TAP1 protein (p.Asp282Tyr). This variant is present in population databases (no rsID available, gnomAD 0.0009%). This variant has not been reported in the literature in individuals affected with TAP1-related conditions. ClinVar contains an entry for this variant (Variation ID: 2184080). An algorithm developed to predict the effect of missense changes on protein structure and function (PolyPhen-2) suggests that this variant is likely to be disruptive. In summary, the available evidence is currently insufficient to determine the role of this variant in disease. Therefore, it has been classified as a Variant of Uncertain Significance.